The following is an entry in ClinVar:

ClinVar aggregate classification (germline): Uncertain significance (1 of 4 stars; one submission).

gnomAD v4.1: 1 of 1,613,808 alleles (0.000062%); highest among the groups gnomAD compares: Non-Finnish European, 0.000085%; no homozygotes.

Submission:

Labcorp Genetics (formerly Invitae), Labcorp
Classification: Uncertain significance. Last evaluated: 2024-10-21. Review status: criteria provided, single submitter. Criteria: Invitae Variant Classification Sherloc (09022015). Collection method: clinical testing. Allele origin: germline.
Comment: This sequence change affects a donor splice site in intron 4 of the SLC10A2 gene. It is expected to disrupt RNA splicing. Variants that disrupt the donor or acceptor splice site typically lead to a loss of protein function (PMID: 16199547), however the current clinical and genetic evidence is not sufficient to establish whether loss-of-function variants in SLC10A2 cause disease. This variant is not present in population databases (gnomAD no frequency). This variant has not been reported in the literature in individuals affected with SLC10A2-related conditions. Algorithms developed to predict the effect of sequence changes on RNA splicing suggest that this variant may disrupt the consensus splice site. In summary, the available evidence is currently insufficient to determine the role of this variant in disease. Therefore, it has been classified as a Variant of Uncertain Significance.

Literature cited by the submitters: PubMed 16199547.

NM_000452.3(SLC10A2):c.761+2T>G

Gene: SLC10A2 (solute carrier family 10 member 2; minus strand). Cytogenetic location: 13q33.1.
Variant type: single nucleotide variant.
Coding change: c.761+2T>G on transcript NM_000452.3 (MANE Select); the canonical splice donor site of the intron after coding-DNA position 761, T replaced by G.
Molecular consequence: splice donor variant.
Genome position (GRCh38, 1-based): chr13:103,051,255, A>C on the plus strand (T>G on the coding strand, the complement: SLC10A2 is on the minus strand). VCF-style: chr13-103051255-A-C. GRCh37 (hg19) VCF-style: chr13-103703605-A-C.
Identifiers: ClinVar variation 3678435 (VCV003678435.2).